The following is an entry in ClinVar:

ClinVar aggregate classification (germline): Uncertain significance. Review status: criteria provided, multiple submitters, no conflicts (2 of 4 stars). 2 submissions from 2 submitters: Uncertain significance (2). Last evaluated 2025-03-20.

Conditions:
Familial cancer of breast. Also called: BREAST CANCER, FAMILIAL; Hereditary breast cancer; hereditary breast carcinoma. Identifiers: Orphanet 227535, MedGen C0346153, MONDO:0016419, OMIM 114480. Disease mechanism: loss of function.
Hereditary cancer-predisposing syndrome. Also called: Hereditary neoplastic syndrome; Neoplastic Syndromes, Hereditary; Hereditary Cancer Syndrome; Tumor predisposition. Identifiers: Orphanet 140162, MedGen C0027672, MeSH D009386, MONDO:0015356.

Submissions (2):

Ambry Genetics
Classification: Uncertain significance for Hereditary cancer-predisposing syndrome. Last evaluated: 2025-03-20. Review status: criteria provided, single submitter. Criteria: Ambry Variant Classification Scheme 2023. Collection method: clinical testing. Allele origin: germline.
Comment: The p.S357C variant (also known as c.1070C>G), located in coding exon 4 of the PALB2 gene, results from a C to G substitution at nucleotide position 1070. The serine at codon 357 is replaced by cysteine, an amino acid with dissimilar properties. This amino acid position is conserved. In addition, this alteration is predicted to be tolerated by in silico analysis. Based on the available evidence, the clinical significance of this variant remains unclear.

Labcorp Genetics (formerly Invitae), Labcorp
Classification: Uncertain significance for Familial cancer of breast. Last evaluated: 2017-10-03. Review status: criteria provided, single submitter. Criteria: Invitae Variant Classification Sherloc (09022015). Collection method: clinical testing. Allele origin: germline.
Comment: This sequence change replaces serine with cysteine at codon 357 of the PALB2 protein (p.Ser357Cys). The serine residue is moderately conserved and there is a moderate physicochemical difference between serine and cysteine. This variant is not present in population databases (ExAC no frequency). This variant has not been reported in the literature in individuals with PALB2-related disease. Algorithms developed to predict the effect of missense changes on protein structure and function do not agree on the potential impact of this missense change (SIFT: "Tolerated"; PolyPhen-2: "Probably Damaging"; Align-GVGD: "Class C0"). In summary, the available evidence is currently insufficient to determine the role of this variant in disease. Therefore, it has been classified as a Variant of Uncertain Significance.

NM_024675.4(PALB2):c.1070C>G (p.Ser357Cys)

Gene: PALB2 (partner and localizer of BRCA2; minus strand). Cytogenetic location: 16p12.2.
Variant type: single nucleotide variant.
Coding change: c.1070C>G on transcript NM_024675.4 (MANE Select); coding-DNA position 1070, C replaced by G.
Protein change: p.Ser357Cys; replaces serine 357 with cysteine.
Molecular consequence: missense variant.
Genome position (GRCh38, 1-based): chr16:23,635,476, G>C on the plus strand (C>G on the coding strand, the complement: PALB2 is on the minus strand). VCF-style: chr16-23635476-G-C. GRCh37 (hg19) VCF-style: chr16-23646797-G-C.
Other names: short protein forms S357C.
Identifiers: ClinVar variation 530121 (VCV000530121.9), dbSNP rs1555461469, ClinGen allele CA395134005.